The following is an entry in ClinVar:

ClinVar aggregate classification (germline): Uncertain significance. Review status: criteria provided, multiple submitters, no conflicts (2 of 4 stars). 2 submissions from 2 submitters: Uncertain significance (2). Last evaluated 2024-10-07.

Conditions:
Hypertrophic cardiomyopathy. Also called: HYPERTROPHIC MYOCARDIOPATHY. Identifiers: Orphanet 217569, MedGen C0007194, MeSH D002312, MONDO:0005045, HP:0001639.

Allele frequency attached by ClinVar (database versions not stated): TOPMed 0.00001; gnomAD 0.00002.
gnomAD v4.1: 28 of 1,613,780 alleles (0.0017%); highest among the groups gnomAD compares: Non-Finnish European, 0.0024%; no homozygotes.

Submissions (2):

Ambry Genetics
Classification: Uncertain significance. Last evaluated: 2024-10-07. Review status: criteria provided, single submitter. Criteria: Ambry Variant Classification Scheme 2023. Collection method: clinical testing. Allele origin: germline.
Comment: The p.K117N variant (also known as c.351G>C), located in coding exon 2 of the MYOM1 gene, results from a G to C substitution at nucleotide position 351. The lysine at codon 117 is replaced by asparagine, an amino acid with similar properties. This amino acid position is conserved. In addition, this alteration is predicted to be tolerated by in silico analysis. Since supporting evidence is limited at this time, the clinical significance of this alteration remains unclear.

Labcorp Genetics (formerly Invitae), Labcorp
Classification: Uncertain significance for Hypertrophic cardiomyopathy. Last evaluated: 2022-04-24. Review status: criteria provided, single submitter. Criteria: Invitae Variant Classification Sherloc (09022015). Collection method: clinical testing. Allele origin: germline.
Comment: In summary, the available evidence is currently insufficient to determine the role of this variant in disease. Therefore, it has been classified as a Variant of Uncertain Significance. Algorithms developed to predict the effect of missense changes on protein structure and function (SIFT, PolyPhen-2, Align-GVGD) all suggest that this variant is likely to be tolerated. ClinVar contains an entry for this variant (Variation ID: 956537). This variant has not been reported in the literature in individuals affected with MYOM1-related conditions. This variant is not present in population databases (gnomAD no frequency). This sequence change replaces lysine, which is basic and polar, with asparagine, which is neutral and polar, at codon 117 of the MYOM1 protein (p.Lys117Asn).

NM_003803.4(MYOM1):c.351G>C (p.Lys117Asn)

Gene: MYOM1 (myomesin 1; minus strand). Cytogenetic location: 18p11.31.
Variant type: single nucleotide variant.
Coding change: c.351G>C on transcript NM_003803.4 (MANE Select); coding-DNA position 351, G replaced by C.
Protein change: p.Lys117Asn; replaces lysine 117 with asparagine.
Molecular consequence: missense variant.
Genome position (GRCh38, 1-based): chr18:3,193,898, C>G on the plus strand (G>C on the coding strand, the complement: MYOM1 is on the minus strand). VCF-style: chr18-3193898-C-G. GRCh37 (hg19) VCF-style: chr18-3193896-C-G.
Other names: c.351G>C, p.Lys117Asn (NM_019856.2); short protein forms K117N.
Identifiers: ClinVar variation 956537 (VCV000956537.12), dbSNP rs766227907, ClinGen allele CA295524395.